The following is an entry in ClinVar:

ClinVar aggregate classification (germline): Pathogenic (1 of 4 stars; one submission).

Conditions:
Autosomal recessive juvenile Parkinson disease 2. Also called: Parkinson disease autosomal recessive, early onset; Juvenile parkinsonism; Parkinsonism, early onset, with diurnal fluctuation; PRKN-Related Early-Onset Parkinson Disease; PARKINSON DISEASE, JUVENILE, AUTOSOMAL RECESSIVE; Parkinson disease, juvenile, type 2. Identifiers: Orphanet 2828, MedGen C1868675, MONDO:0010820, OMIM 600116.

Submission:

Labcorp Genetics (formerly Invitae), Labcorp
Classification: Pathogenic for Autosomal recessive juvenile Parkinson disease 2. Last evaluated: 2016-09-23. Review status: criteria provided, single submitter. Criteria: Invitae Variant Classification Sherloc (09022015). Collection method: clinical testing. Allele origin: germline.
Comment: This variant is a gross deletion of the genomic region encompassing exon 5 of the PARK2 gene. This leads to an in-frame deletion, preserving the integrity of the reading frame. Loss-of-function variants in PARK2 are known to be pathogenic. This particular variant has been reported in the literature in homozygous state in individuals affected with Autosomal Recessive Juvenile Parkinsonism, and in heterozygous state in 2 high functioning autism patients (PMID: 9851438, 24781841, 24677602, 19715670, 27042285). For these reasons, this variant has been classified as Pathogenic.

NC_000006.12:g.(?_162054091)_(162054174_?)del

Gene: PRKN (parkin RBR E3 ubiquitin protein ligase; minus strand). Cytogenetic location: 6q26.
Variant type: Deletion.
Identifiers: ClinVar variation 417464 (VCV000417464.1).